The following is an entry in ClinVar:

ClinVar aggregate classification (germline): Uncertain significance. Review status: criteria provided, multiple submitters, no conflicts (2 of 4 stars). 6 submissions from 6 submitters: Uncertain significance (6). Last evaluated 2024-05-06.

Conditions:
Familial adenomatous polyposis 1 (FAP1). Also called: FAMILIAL ADENOMATOUS POLYPOSIS 1, ATTENUATED; POLYPOSIS, ADENOMATOUS INTESTINAL. Identifiers: MedGen C2713442, MONDO:0021056, OMIM 175100. Disease mechanism: loss of function.
Hereditary cancer-predisposing syndrome. Also called: Neoplastic Syndromes, Hereditary; Tumor predisposition; Hereditary Cancer Syndrome; Hereditary neoplastic syndrome. Identifiers: Orphanet 140162, MedGen C0027672, MeSH D009386, MONDO:0015356.

Allele frequency attached by ClinVar (database versions not stated): gnomAD exomes below 0.00001; TOPMed below 0.00001.
gnomAD v4.1: 1 of 1,613,716 alleles (0.000062%); highest among the groups gnomAD compares: Non-Finnish European, 0.000085%; no homozygotes.

Submissions (6):

Labcorp Genetics (formerly Invitae), Labcorp
Classification: Uncertain significance for Familial adenomatous polyposis 1. Last evaluated: 2024-05-06. Review status: criteria provided, single submitter. Criteria: Invitae Variant Classification Sherloc (09022015). Collection method: clinical testing. Allele origin: germline.
Comment: This sequence change replaces leucine, which is neutral and non-polar, with phenylalanine, which is neutral and non-polar, at codon 2539 of the APC protein (p.Leu2539Phe). This variant is not present in population databases (gnomAD no frequency). This variant has not been reported in the literature in individuals affected with APC-related conditions. ClinVar contains an entry for this variant (Variation ID: 234053). Advanced modeling of protein sequence and biophysical properties (such as structural, functional, and spatial information, amino acid conservation, physicochemical variation, residue mobility, and thermodynamic stability) performed at Invitae indicates that this missense variant is not expected to disrupt APC protein function with a negative predictive value of 95%. In summary, the available evidence is currently insufficient to determine the role of this variant in disease. Therefore, it has been classified as a Variant of Uncertain Significance.

Ambry Genetics
Classification: Uncertain significance for Hereditary cancer-predisposing syndrome. Last evaluated: 2024-02-20. Review status: criteria provided, single submitter. Criteria: Ambry Variant Classification Scheme 2023. Collection method: clinical testing. Allele origin: germline.
Comment: The p.L2539F variant (also known as c.7615C>T), located in coding exon 15 of the APC gene, results from a C to T substitution at nucleotide position 7615. The leucine at codon 2539 is replaced by phenylalanine, an amino acid with highly similar properties. This amino acid position is well conserved in available vertebrate species. In addition, in silico predictors for this gene do not accurately predict pathogenicity. Since supporting evidence is limited at this time, the clinical significance of this alteration remains unclear.

Color Diagnostics, LLC DBA Color Health
Classification: Uncertain significance for Hereditary cancer-predisposing syndrome. Last evaluated: 2023-12-04. Review status: criteria provided, single submitter. Criteria: ACMG Guidelines, 2015. Collection method: clinical testing. Allele origin: germline.
Comment: This missense variant replaces leucine with phenylalanine at codon 2539 of the APC protein. Computational prediction is inconclusive regarding the impact of this variant on protein structure and function (internally defined REVEL score threshold 0.5 < inconclusive < 0.7, PMID: 27666373). To our knowledge, functional studies have not been reported for this variant. This variant has not been reported in individuals affected with APC-related disorders in the literature. This variant has not been identified in the general population by the Genome Aggregation Database (gnomAD). The available evidence is insufficient to determine the role of this variant in disease conclusively. Therefore, this variant is classified as a Variant of Uncertain Significance.

GeneDx
Classification: Uncertain significance. Last evaluated: 2023-11-14. Review status: criteria provided, single submitter. Criteria: GeneDx Variant Classification Process June 2021. Collection method: clinical testing. Allele origin: germline. Affected: yes.
Comment: Not observed at significant frequency in large population cohorts (gnomAD); In silico analysis supports that this missense variant does not alter protein structure/function; Has not been previously published as pathogenic or benign to our knowledge

Baylor Genetics
Classification: Uncertain significance for Familial adenomatous polyposis 1. Last evaluated: 2023-10-17. Review status: criteria provided, single submitter. Criteria: ACMG Guidelines, 2015. Collection method: clinical testing. Allele origin: unknown.

Quest Diagnostics Nichols Institute San Juan Capistrano
Classification: Uncertain significance. Last evaluated: 2016-09-29. Review status: criteria provided, single submitter. Criteria: Quest Diagnostics criteria. Collection method: clinical testing. Allele origin: germline.

NM_000038.6(APC):c.7615C>T (p.Leu2539Phe)

Gene: APC (APC regulator of Wnt signaling pathway; plus strand). Cytogenetic location: 5q22.2.
Variant type: single nucleotide variant.
Coding change: c.7615C>T on transcript NM_000038.6 (MANE Select); coding-DNA position 7615, C replaced by T.
Protein change: p.Leu2539Phe; replaces leucine 2539 with phenylalanine.
Molecular consequence: missense variant.
Genome position (GRCh38, 1-based): chr5:112,843,209, C>T. VCF-style: chr5-112843209-C-T. GRCh37 (hg19) VCF-style: chr5-112178906-C-T.
Other names: c.7615C>T, p.Leu2539Phe (NM_001127510.3, NM_001354895.2); c.7561C>T, p.Leu2521Phe (NM_001127511.3); c.7669C>T, p.Leu2557Phe (NM_001354896.2); c.7645C>T, p.Leu2549Phe (NM_001354897.2); c.7540C>T, p.Leu2514Phe (NM_001354898.2); c.7531C>T, p.Leu2511Phe (NM_001354899.2); c.7492C>T, p.Leu2498Phe (NM_001354900.2); c.7438C>T, p.Leu2480Phe (NM_001354901.2); and 5 more; short protein forms L2521F, L2539F, L2256F, L2498F, L2514F, L2379F, L2438F, L2448F.
Identifiers: ClinVar variation 234053 (VCV000234053.21), dbSNP rs876660819, ClinGen allele CA10578447.